The following is an entry in ClinVar:

NM_002432.3(MNDA):c.1100T>C (p.Leu367Pro)

Gene: MNDA (myeloid cell nuclear differentiation antigen; plus strand). Cytogenetic location: 1q23.1.
Variant type: single nucleotide variant.
Coding change: c.1100T>C on transcript NM_002432.3 (MANE Select); coding-DNA position 1100, T replaced by C.
Protein change: p.Leu367Pro; replaces leucine 367 with proline.
Molecular consequence: missense variant.
Genome position (GRCh38, 1-based): chr1:158,847,840, T>C. VCF-style: chr1-158847840-T-C. GRCh37 (hg19) VCF-style: chr1-158817630-T-C.
Other names: short protein forms L367P.
Identifiers: ClinVar variation 1792345 (VCV001792345.3), dbSNP rs750755720, ClinGen allele CA1185797.

ClinVar aggregate classification (germline): Uncertain significance (1 of 4 stars; one submission).

Allele frequency attached by ClinVar (database versions not stated): TOPMed below 0.00001; ExAC 0.00001.
gnomAD v4.1: 9 of 1,614,038 alleles (0.00056%); highest among the groups gnomAD compares: Non-Finnish European, 0.00076%; no homozygotes.

Submission:

Ambry Genetics
Classification: Uncertain significance. Last evaluated: 2023-09-01. Review status: criteria provided, single submitter. Criteria: Ambry Variant Classification Scheme 2023. Collection method: clinical testing. Allele origin: germline.
Comment: The p.L367P variant (also known as c.1100T>C), located in coding exon 5 of the MNDA gene, results from a T to C substitution at nucleotide position 1100. The leucine at codon 367 is replaced by proline, an amino acid with similar properties. This amino acid position is conserved. In addition, the in silico prediction for this alteration is inconclusive. Since supporting evidence is limited at this time, the clinical significance of this alteration remains unclear.